The following is an entry in ClinVar:

ClinVar aggregate classification (germline): Uncertain significance (1 of 4 stars; one submission).

Conditions:
LAMA2-related muscular dystrophy (LAMA2-RD). Also called: Laminin alpha 2-related dystrophy. Identifiers: MedGen C5679788, MONDO:0100228.

gnomAD v4.1: 6 of 1,613,858 alleles (0.00037%); highest among the groups gnomAD compares: Non-Finnish European, 0.00051%; no homozygotes.

Submission:

Labcorp Genetics (formerly Invitae), Labcorp
Classification: Uncertain significance for LAMA2-related muscular dystrophy. Last evaluated: 2025-12-15. Review status: criteria provided, single submitter. Criteria: Invitae Variant Classification Sherloc (09022015). Collection method: clinical testing. Allele origin: germline.
Comment: This sequence change replaces asparagine, which is neutral and polar, with aspartic acid, which is acidic and polar, at codon 1732 of the LAMA2 protein (p.Asn1732Asp). This variant is present in population databases (no rsID available, gnomAD 0.002%). This variant has not been reported in the literature in individuals affected with LAMA2-related conditions. Invitae Evidence Modeling of protein sequence and biophysical properties (such as structural, functional, and spatial information, amino acid conservation, physicochemical variation, residue mobility, and thermodynamic stability) indicates that this missense variant is not expected to disrupt LAMA2 protein function with a negative predictive value of 95%. In summary, the available evidence is currently insufficient to determine the role of this variant in disease. Therefore, it has been classified as a Variant of Uncertain Significance.

NM_000426.4(LAMA2):c.5194A>G (p.Asn1732Asp)

Gene: LAMA2 (laminin subunit alpha 2; plus strand). Cytogenetic location: 6q22.33.
Variant type: single nucleotide variant.
Coding change: c.5194A>G on transcript NM_000426.4 (MANE Select); coding-DNA position 5194, A replaced by G.
Protein change: p.Asn1732Asp; replaces asparagine 1732 with aspartic acid.
Molecular consequence: missense variant.
Genome position (GRCh38, 1-based): chr6:129,391,613, A>G. VCF-style: chr6-129391613-A-G. GRCh37 (hg19) VCF-style: chr6-129712758-A-G.
Other names: c.5194A>G, p.Asn1732Asp (NM_001079823.2); short protein forms N1732D.
Identifiers: ClinVar variation 4738568 (VCV004738568.1).
Genomic context (GRCh38, chr6:129,391,613, plus strand): 5'-AGAAATTTGGAAGGGCTTCAGAAAGAGATTGACCAGATGATTAAAGAACTGAGGAGGAAA[A>G]ATCTAGAGACACAAAAGGAAATTGCTGAAGATGAGTTGGTGTGAGTAGATGAGTTATTAT-3'
Protein context (NP_000417.3, residues 1722-1742): DQMIKELRRK[Asn1732Asp]LETQKEIAED